The following is an entry in ClinVar:

NM_003722.5(TP63):c.1294A>G (p.Ile432Val)

Gene: TP63 (tumor protein p63; plus strand). Cytogenetic location: 3q28.
Variant type: single nucleotide variant.
Coding change: c.1294A>G on transcript NM_003722.5 (MANE Select); coding-DNA position 1294, A replaced by G.
Protein change: p.Ile432Val; replaces isoleucine 432 with valine.
Molecular consequence: missense variant.
Genome position (GRCh38, 1-based): chr3:189,872,940, A>G. VCF-style: chr3-189872940-A-G. GRCh37 (hg19) VCF-style: chr3-189590729-A-G.
Other names: c.1294A>G, p.Ile432Val (NM_001114978.2, NM_001114979.2, NM_001329144.2); c.1012A>G, p.Ile338Val (NM_001114980.2, NM_001114981.2, NM_001114982.2 and 1 more transcripts); c.757A>G, p.Ile253Val (NM_001329146.2); c.1282A>G, p.Ile428Val (NM_001329148.2); c.1000A>G, p.Ile334Val (NM_001329149.2); c.745A>G, p.Ile249Val (NM_001329150.2); c.1288A>G, p.Ile430Val (NM_001329964.2); short protein forms I253V, I428V, I430V, I334V, I249V, I432V, I338V.
Identifiers: ClinVar variation 3022286 (VCV003022286.2), dbSNP rs778551905, ClinGen allele CA2752397.

ClinVar aggregate classification (germline): Uncertain significance (1 of 4 stars; one submission).

Conditions:
TP63-Related Spectrum Disorders.

Allele frequency attached by ClinVar (database versions not stated): gnomAD exomes below 0.00001; TOPMed 0.00001; ExAC 0.00002.
gnomAD v4.1: 2 of 1,614,148 alleles (0.00012%); highest among the groups gnomAD compares: Admixed American, 0.0017%; no homozygotes.

Submission:

Labcorp Genetics (formerly Invitae), Labcorp
Classification: Uncertain significance. Last evaluated: 2023-11-21. Review status: criteria provided, single submitter. Criteria: Invitae Variant Classification Sherloc (09022015). Collection method: clinical testing. Allele origin: germline.
Comment: This sequence change replaces isoleucine, which is neutral and non-polar, with valine, which is neutral and non-polar, at codon 432 of the TP63 protein (p.Ile432Val). This variant is present in population databases (rs778551905, gnomAD 0.006%). This variant has not been reported in the literature in individuals affected with TP63-related conditions. Advanced modeling of protein sequence and biophysical properties (such as structural, functional, and spatial information, amino acid conservation, physicochemical variation, residue mobility, and thermodynamic stability) performed at Invitae indicates that this missense variant is not expected to disrupt TP63 protein function with a negative predictive value of 80%. In summary, the available evidence is currently insufficient to determine the role of this variant in disease. Therefore, it has been classified as a Variant of Uncertain Significance.